The following is an entry in ClinVar:

ClinVar aggregate classification (germline): Benign (3 of 4 stars; one submission).

Conditions:
Breast-ovarian cancer, familial, susceptibility to, 2 (BROVCA2). Also called: BRCA2 Hereditary Breast and Ovarian Cancer. Identifiers: Orphanet 145, MedGen C2675520, MONDO:0012933, OMIM 612555. Disease mechanism: loss of function.

Allele frequency attached by ClinVar (database versions not stated): 1000 Genomes Project 0.00679; gnomAD 0.00795 and 0.00728; 1000 Genomes Project 30x 0.00734; TOPMed 0.00807.
gnomAD v4.1: 1,100 of 152,270 alleles (0.72%); highest among the groups gnomAD compares: African/African-American, 2.5%; 15 homozygotes.

Submission:

Evidence-based Network for the Interpretation of Germline Mutant Alleles (ENIGMA)
Classification: Benign for Breast-ovarian cancer, familial 2. Last evaluated: 2015-01-12. Review status: reviewed by expert panel. Criteria: ENIGMA BRCA1/2 Classification Criteria (2015). Collection method: curation. Allele origin: germline.
Comment: Class 1 not pathogenic based on frequency >1% in an outbred sampleset. Frequency 0.02642 (African), derived from 1000 genomes (2012-04-30).

NM_000059.4(BRCA2):c.632-803G>A

Gene: BRCA2 (BRCA2 DNA repair associated; plus strand). Cytogenetic location: 13q13.1.
Variant type: single nucleotide variant.
Coding change: c.632-803G>A on transcript NM_000059.4 (MANE Select); 803 bases into the intron before coding-DNA position 632, G replaced by A.
Molecular consequence: intron variant.
Genome position (GRCh38, 1-based): chr13:32,328,640, G>A. VCF-style: chr13-32328640-G-A. GRCh37 (hg19) VCF-style: chr13-32902777-G-A.
Other names: IVS 7-803G>A.
Identifiers: ClinVar variation 209661 (VCV000209661.1), dbSNP rs77534868, ClinGen allele CA276630.
Genomic context (GRCh38, chr13:32,328,640, plus strand): 5'-TTATTTTGTGAGTCGTATATGCTCTTTTTAAATGAAATGAAAATTCTGAGTACATCACAT[G>A]TAGTTAGGGTTTAGAAAATAAAAAATACAATATATCTAGTTAAATTTGGACTTCAGGTAA-3'